The following is an entry in ClinVar:

NM_001037283.2(EIF3B):c.1233_1234insTAAG (p.Gly412Ter)

Gene: EIF3B (eukaryotic translation initiation factor 3 subunit B; plus strand). Cytogenetic location: 7p22.3.
Variant type: Insertion.
Coding change: c.1233_1234insTAAG on transcript NM_001037283.2 (MANE Select); coding-DNA positions 1233 to 1234, TAAG inserted.
Protein change: p.Gly412Ter; replaces glycine 412 with a stop codon.
Molecular consequence: nonsense.
Genome position: GRCh38 VCF-style: chr7-2366391-C-CGTAA. GRCh37 (hg19) VCF-style: chr7-2406026-C-CGTAA.
Other names: c.1233_1234insTAAG, p.Gly412Ter (NM_001362791.2, NM_003751.4); c.417_418insTAAG, p.Gly140Ter (NM_001362792.2, NM_001362793.2); short protein forms G140*, G412*.
Identifiers: ClinVar variation 4529731 (VCV004529731.2).

ClinVar aggregate classification (germline): Pathogenic (1 of 4 stars; one submission).

Submission:

GeneDx
Classification: Pathogenic. Last evaluated: 2026-06-01. Review status: criteria provided, single submitter. Criteria: GeneDx Variant Classification Process June 2021. Collection method: clinical testing. Allele origin: germline.
Comment: Nonsense variant predicted to result in protein truncation or nonsense mediated decay in a gene for which loss of function is a known mechanism of disease; Not observed at significant frequency in large population cohorts (gnomAD); Has not been previously published as pathogenic or benign to our knowledge